The following is an entry in ClinVar:

ClinVar aggregate classification (germline): Likely benign. Review status: criteria provided, multiple submitters, no conflicts (2 of 4 stars). 7 submissions from 7 submitters: Likely benign (7). Last evaluated 2026-04-03.

Conditions:
Arrhythmogenic cardiomyopathy with wooly hair and keratoderma. Also called: PALMOPLANTAR KERATODERMA WITH LEFT VENTRICULAR CARDIOMYOPATHY AND WOOLLY HAIR; Dilated cardiomyopathy with woolly hair and keratoderma; Arrhythmogenic cardiomyopathy with woolly hair and keratoderma; Carvajal syndrome. Identifiers: Orphanet 65282, MedGen C1854063, MONDO:0011581, OMIM 605676.
Arrhythmogenic right ventricular dysplasia 8 (ARVD8). Also called: Arrhythmogenic Right Ventricular Dysplasia/Cardiomyopathy 8; ARRHYTHMOGENIC RIGHT VENTRICULAR DYSPLASIA, FAMILIAL, 8; ARRHYTHMOGENIC RIGHT VENTRICULAR CARDIOMYOPATHY 8. Identifiers: MedGen C1843896, MONDO:0011831, OMIM 607450.
Cardiovascular phenotype. Identifiers: MedGen CN230736.
Cardiomyopathy (CMYO). Also called: Cardiomyopathies. Identifiers: Orphanet 167848, MedGen C0878544, MONDO:0004994, HP:0001638. Inheritance: Various modes of inheritance.

Allele frequency attached by ClinVar (database versions not stated): gnomAD 0.00001; TOPMed 0.00002; ExAC 0.00004; gnomAD exomes 0.00004.
gnomAD v4.1: 20 of 1,613,692 alleles (0.0012%); highest among the groups gnomAD compares: Admixed American, 0.005%; no homozygotes.

Submissions (7):

Women's Health and Genetics/Laboratory Corporation of America, LabCorp
Classification: Likely benign. Last evaluated: 2026-04-03. Review status: criteria provided, single submitter. Criteria: LabCorp Variant Classification Summary - May 2015. Collection method: clinical testing. Allele origin: germline.

Labcorp Genetics (formerly Invitae), Labcorp
Classification: Likely benign for Arrhythmogenic cardiomyopathy with wooly hair and keratoderma; Arrhythmogenic right ventricular dysplasia 8. Last evaluated: 2025-03-20. Review status: criteria provided, single submitter. Criteria: Invitae Variant Classification Sherloc (09022015). Collection method: clinical testing. Allele origin: germline.

All of Us Research Program, National Institutes of Health
Classification: Likely benign for Arrhythmogenic cardiomyopathy with wooly hair and keratoderma. Last evaluated: 2023-12-18. Review status: criteria provided, single submitter. Criteria: ACMG Guidelines, 2015. Collection method: clinical testing. Allele origin: germline. Inheritance: Autosomal dominant inheritance. Observed: 6 variant alleles, 6 heterozygotes.
Comment: This study involves interpretation of variants in research participants for the purpose of population health screening. Participant phenotype was not available at the time of variant classification. Additional details can be found in publication PMID: 35346344, PMCID: PMC8962531

Blueprint Genetics
Classification: Likely benign. Last evaluated: 2023-04-20. Review status: criteria provided, single submitter. Criteria: ACMG Guidelines, 2015. Collection method: clinical testing. Allele origin: germline.

Ambry Genetics
Classification: Likely benign for Cardiovascular phenotype. Last evaluated: 2022-09-17. Review status: criteria provided, single submitter. Criteria: Ambry Variant Classification Scheme 2023. Collection method: clinical testing. Allele origin: germline.

Color Diagnostics, LLC DBA Color Health
Classification: Likely benign for Cardiomyopathy. Last evaluated: 2020-12-08. Review status: criteria provided, single submitter. Criteria: ACMG Guidelines, 2015. Collection method: clinical testing. Allele origin: germline.

GeneDx
Classification: Likely benign. Last evaluated: 2018-10-05. Review status: criteria provided, single submitter. Criteria: GeneDx Variant Classification Process June 2021. Collection method: clinical testing. Allele origin: germline. Affected: yes.

NM_004415.4(DSP):c.3540A>G (p.Glu1180=)

Gene: DSP (desmoplakin; plus strand). Cytogenetic location: 6p24.3.
Variant type: single nucleotide variant.
Coding change: c.3540A>G on transcript NM_004415.4 (MANE Select); coding-DNA position 3540, A replaced by G.
Protein change: p.Glu1180=; no amino-acid change (glutamic acid 1180 retained).
Molecular consequence: synonymous variant.
Genome position (GRCh38, 1-based): chr6:7,579,730, A>G. VCF-style: chr6-7579730-A-G. GRCh37 (hg19) VCF-style: chr6-7579963-A-G.
Other names: c.3540A>G (LRG_423t1); c.3540A>G, p.Glu1180= (NM_001008844.3, NM_001319034.2).
Identifiers: ClinVar variation 513427 (VCV000513427.20), dbSNP rs555514197, ClinGen allele CA038348.